The following is an entry in ClinVar:

NM_198503.5(KCNT2):c.3106dup (p.Ile1036fs)

Gene: KCNT2 (potassium sodium-activated channel subfamily T member 2; minus strand). Cytogenetic location: 1q31.3.
Variant type: Duplication.
Coding change: c.3106dup on transcript NM_198503.5 (MANE Select); coding-DNA position 3106, one base duplicated (A; older notation c.3106dupA).
Protein change: p.Ile1036fs; shifts the reading frame from isoleucine 1036.
Molecular consequence: frameshift variant. On other transcripts: non-coding transcript variant (2).
Genome position (GRCh38, 1-based): chr1:196,258,299, T duplicated on the plus strand (A on the coding strand, the reverse complement: KCNT2 is on the minus strand); the first of 6 consecutive T bases (chr1:196,258,299-196,258,304); duplicating any one gives the same sequence. VCF-style (leftmost placement, unchanged base first): chr1-196258298-A-AT. GRCh37 (hg19) VCF-style: chr1-196227428-A-AT.
Other names: c.2905dup, p.Ile969fs (NM_001287820.3); c.3034dup, p.Ile1012fs (NM_001287819.3); short protein forms I1012fs, I1036fs, I969fs.
Identifiers: ClinVar variation 5017121 (VCV005017121.1).
Genomic context (GRCh38, chr1:196,258,298, plus strand): 5'-ACAAGTTCAGCAAGCTCTTGTCTTTCTGACCTCCTGTAGAGGTTCAGTCGCTGCTGGGTT[A>AT]TTTTTTCAGCTGTTTTACCAGAGTGTTTTGGGCCTTTTCTGCTCAGTCTTCGGGCCCACT-3'

ClinVar aggregate classification (germline): Uncertain significance (1 of 4 stars; one submission).

Submission:

GeneDx
Classification: Uncertain significance. Last evaluated: 2026-03-24. Review status: criteria provided, single submitter. Criteria: GeneDx Variant Classification Process June 2021. Collection method: clinical testing. Allele origin: germline.
Comment: Not observed at significant frequency in large population cohorts (gnomAD); Frameshift variant predicted to result in protein truncation or nonsense mediated decay in a gene or region of a gene for which loss of function is not a well-established mechanism of disease; Has not been previously published as pathogenic or benign to our knowledge